The following is an entry in ClinVar:

NM_001197104.2(KMT2A):c.166T>C (p.Ser56Pro)

Gene: KMT2A (lysine methyltransferase 2A; plus strand). Cytogenetic location: 11q23.3.
Variant type: single nucleotide variant.
Coding change: c.166T>C on transcript NM_001197104.2 (MANE Select); coding-DNA position 166, T replaced by C.
Protein change: p.Ser56Pro; replaces serine 56 with proline.
Molecular consequence: missense variant.
Genome position (GRCh38, 1-based): chr11:118,436,678, T>C. VCF-style: chr11-118436678-T-C. GRCh37 (hg19) VCF-style: chr11-118307393-T-C.
Other names: c.166T>C, p.Ser56Pro (NM_001412597.1, NM_005933.4); short protein forms S56P.
Identifiers: ClinVar variation 4885660 (VCV004885660.2).

ClinVar aggregate classification (germline): Uncertain significance (1 of 4 stars; one submission).

Submission:

Dasa
Classification: Uncertain significance. Last evaluated: 2024-12-06. Review status: criteria provided, single submitter. Criteria: DASA Assertion Criteria. Collection method: clinical testing. Allele origin: germline.
Comment: NM_001197104.2(KMT2A):c.166T>C (p.Ser56Pro) is a missense variant that results in the substitution of serine with proline. This variant is rare in population databases. Computational prediction algorithms are consistent with a benign effect. The currently available literature and clinical evidence are not sufficient to establish a definitive association between this variant and the reported condition. Therefore, this variant is classified as a variant of uncertain significance.